The following is an entry in ClinVar:

ClinVar aggregate classification (germline): Likely benign. Review status: criteria provided, multiple submitters, no conflicts (2 of 4 stars). 2 submissions from 2 submitters: Likely benign (2). Last evaluated 2025-04-04.

Conditions:
HMGCL-related disorder. Also called: HMGCL-related condition.
Deficiency of hydroxymethylglutaryl-CoA lyase (HMGCLD). Also called: HMGCL DEFICIENCY; HYDROXYMETHYLGLUTARIC ACIDURIA; Defect in leucine metabolism; 3-hydroxy-3-methylglutaric aciduria; HMG-CoA LYASE DEFICIENCY. Identifiers: Orphanet 20, MedGen C1533587, MONDO:0009520, OMIM 246450.

Allele frequency attached by ClinVar (database versions not stated): gnomAD exomes 0.00001; TOPMed 0.00002; gnomAD 0.00003; ESP Exome Variant Server 0.00008.

Submissions (2):

PreventionGenetics, part of Exact Sciences
Classification: Likely benign for HMGCL-related condition. Last evaluated: 2025-04-04. Review status: criteria provided, single submitter. Criteria: ACMG Guidelines, 2015. Collection method: clinical testing. Allele origin: germline.
Comment: This variant is classified as likely benign based on ACMG/AMP sequence variant interpretation guidelines (Richards et al. 2015 PMID: 25741868, with internal and published modifications).

Labcorp Genetics (formerly Invitae), Labcorp
Classification: Likely benign for Deficiency of hydroxymethylglutaryl-CoA lyase. Last evaluated: 2024-03-11. Review status: criteria provided, single submitter. Criteria: Invitae Variant Classification Sherloc (09022015). Collection method: clinical testing. Allele origin: germline.

NM_000191.3(HMGCL):c.6A>G (p.Ala2=)

Gene: HMGCL (3-hydroxy-3-methylglutaryl-CoA lyase; minus strand). Cytogenetic location: 1p36.11.
Variant type: single nucleotide variant.
Coding change: c.6A>G on transcript NM_000191.3 (MANE Select); coding-DNA position 6, A replaced by G.
Protein change: p.Ala2=; no amino-acid change (alanine 2 retained).
Molecular consequence: synonymous variant.
Genome position (GRCh38, 1-based): chr1:23,825,410, T>C on the plus strand (A>G on the coding strand, the complement: HMGCL is on the minus strand). VCF-style: chr1-23825410-T-C. GRCh37 (hg19) VCF-style: chr1-24151900-T-C.
Other names: c.6A>G, p.Ala2= (NM_001166059.2); c.6A>G (NM_000191.2).
Identifiers: ClinVar variation 1615172 (VCV001615172.9), dbSNP rs375969301, ClinGen allele CA686233.
Genomic context (GRCh38, chr1:23,825,410, plus strand): 5'-ACTTACAGCCCGGAGGGACGCCAAGCCCACCAGTCGCCGCGGAAGCGCCTTCCTCATTGC[T>C]GCCATCTTGGCCCAGAATCCCCCGCGGCAGTCCAGCTGGGCCCCGCGTGACCGATGGCTC-3'
Protein context (NP_000182.2, residues 1-12): M[Ala2=]AMRKALPRRL